The following is an entry in ClinVar:

NM_006035.4(CDC42BPB):c.2471+10C>T

Gene: CDC42BPB (CDC42 binding protein kinase beta; minus strand). Cytogenetic location: 14q32.32.
Variant type: single nucleotide variant.
Coding change: c.2471+10C>T on transcript NM_006035.4 (MANE Select); 10 bases into the intron after coding-DNA position 2471, C replaced by T.
Molecular consequence: intron variant.
Genome position (GRCh38, 1-based): chr14:102,967,036, G>A on the plus strand (C>T on the coding strand, the complement: CDC42BPB is on the minus strand). VCF-style: chr14-102967036-G-A. GRCh37 (hg19) VCF-style: chr14-103433373-G-A.
Other names: c.2471+10C>T (NM_001411054.1).
Identifiers: ClinVar variation 3031694 (VCV003031694.2), dbSNP rs748861625, ClinGen allele CA7361064.

ClinVar aggregate classification (germline): Likely benign (0 of 4 stars; one submission).

Conditions:
CDC42BPB-related disorder.

Allele frequency attached by ClinVar (database versions not stated): ExAC 0.00001; gnomAD exomes 0.00001; gnomAD 0.00007; TOPMed 0.00007.
gnomAD v4.1: 26 of 1,612,858 alleles (0.0016%); highest among the groups gnomAD compares: African/African-American, 0.016%; no homozygotes.

Submission:

PreventionGenetics, part of Exact Sciences
Classification: Likely benign for CDC42BPB-related condition. Last evaluated: 2023-09-21. Review status: no assertion criteria provided. Collection method: clinical testing. Allele origin: germline.
Comment: This variant is classified as likely benign based on ACMG/AMP sequence variant interpretation guidelines (Richards et al. 2015 PMID: 25741868, with internal and published modifications).